The following is an entry in ClinVar:

NM_022765.4(MICAL1):c.235G>C (p.Gly79Arg)

Gene: MICAL1 (microtubule associated monooxygenase, calponin and LIM domain containing 1; minus strand). Cytogenetic location: 6q21.
Variant type: single nucleotide variant.
Coding change: c.235G>C on transcript NM_022765.4 (MANE Select); coding-DNA position 235, G replaced by C.
Protein change: p.Gly79Arg; replaces glycine 79 with arginine.
Molecular consequence: missense variant.
Genome position (GRCh38, 1-based): chr6:109,453,962, C>G on the plus strand (G>C on the coding strand, the complement: MICAL1 is on the minus strand). VCF-style: chr6-109453962-C-G. GRCh37 (hg19) VCF-style: chr6-109775165-C-G.
Other names: c.235G>C, p.Gly79Arg (NM_001159291.2); c.292G>C, p.Gly98Arg (NM_001286613.2); short protein forms G98R, G79R.
Identifiers: ClinVar variation 2034511 (VCV002034511.4), dbSNP rs2482817319, ClinGen allele CA365233706.

ClinVar aggregate classification (germline): Uncertain significance (1 of 4 stars; one submission).

Submission:

Labcorp Genetics (formerly Invitae), Labcorp
Classification: Uncertain significance. Last evaluated: 2022-10-07. Review status: criteria provided, single submitter. Criteria: Invitae Variant Classification Sherloc (09022015). Collection method: clinical testing. Allele origin: germline.
Comment: Algorithms developed to predict the effect of missense changes on protein structure and function are either unavailable or do not agree on the potential impact of this missense change (SIFT: "Deleterious"; PolyPhen-2: "Probably Damaging"; Align-GVGD: "Class C0"). In summary, the available evidence is currently insufficient to determine the role of this variant in disease. Therefore, it has been classified as a Variant of Uncertain Significance. This variant has not been reported in the literature in individuals affected with MICAL1-related conditions. This variant is not present in population databases (gnomAD no frequency). This sequence change replaces glycine, which is neutral and non-polar, with arginine, which is basic and polar, at codon 98 of the MICAL1 protein (p.Gly98Arg).